The following is an entry in ClinVar:

ClinVar aggregate classification (germline): Likely pathogenic (1 of 4 stars; one submission).

Conditions:
Very long chain acyl-CoA dehydrogenase deficiency (ACADVLD). Also called: VLCAD Deficiency; Very Long-Chain Acyl-Coenzyme A Dehydrogenase Deficiency. Identifiers: Orphanet 26793, MedGen C3887523, MONDO:0008723, OMIM 201475.

gnomAD v4.1: 2 of 1,613,862 alleles (0.00012%); highest among the groups gnomAD compares: East Asian, 0.0022%; no homozygotes.

Submission:

Labcorp Genetics (formerly Invitae), Labcorp
Classification: Likely pathogenic for Very long chain acyl-CoA dehydrogenase deficiency. Last evaluated: 2023-06-10. Review status: criteria provided, single submitter. Criteria: Invitae Variant Classification Sherloc (09022015). Collection method: clinical testing. Allele origin: germline.
Comment: This sequence change replaces arginine, which is basic and polar, with proline, which is neutral and non-polar, at codon 366 of the ACADVL protein (p.Arg366Pro). In summary, the currently available evidence indicates that the variant is pathogenic, but additional data are needed to prove that conclusively. Therefore, this variant has been classified as Likely Pathogenic. This variant disrupts the p.Arg366 amino acid residue in ACADVL. Other variant(s) that disrupt this residue have been determined to be pathogenic (PMID: 20060901, 24263034, 27246109). This suggests that this residue is clinically significant, and that variants that disrupt this residue are likely to be disease-causing. Advanced modeling of protein sequence and biophysical properties (such as structural, functional, and spatial information, amino acid conservation, physicochemical variation, residue mobility, and thermodynamic stability) performed at Invitae indicates that this missense variant is expected to disrupt ACADVL protein function. This variant has not been reported in the literature in individuals affected with ACADVL-related conditions. This variant is present in population databases (rs112406105, gnomAD 0.0009%).

Literature cited by the submitters: PubMed 20060901; PubMed 24263034; PubMed 27246109.

NM_000018.4(ACADVL):c.1097G>C (p.Arg366Pro)

Gene: ACADVL (acyl-CoA dehydrogenase very long chain; plus strand). Cytogenetic location: 17p13.1.
Variant type: single nucleotide variant.
Coding change: c.1097G>C on transcript NM_000018.4 (MANE Select); coding-DNA position 1097, G replaced by C.
Protein change: p.Arg366Pro; replaces arginine 366 with proline.
Molecular consequence: missense variant.
Genome position (GRCh38, 1-based): chr17:7,223,152, G>C. VCF-style: chr17-7223152-G-C. GRCh37 (hg19) VCF-style: chr17-7126471-G-C.
Other names: c.1031G>C, p.Arg344Pro (NM_001033859.3); c.1166G>C, p.Arg389Pro (NM_001270447.2); c.869G>C, p.Arg290Pro (NM_001270448.2); short protein forms R290P, R344P, R389P, R366P.
Identifiers: ClinVar variation 2707888 (VCV002707888.3), dbSNP rs112406105, ClinGen allele CA8337964.
Genomic context (GRCh38, chr17:7,223,152, plus strand): 5'-ACCACACTGAACCACAGCGGGATGTGTGGACCCTCTTCCAGGTAGATCATGCCACTAATC[G>C]TACCCAGTTTGGGGAGAAAATTCACAACTTTGGGCTGATCCAGGAGAAGCTGGCACGGAT-3'
Protein context (NP_000009.1, residues 356-376): IAKAVDHATN[Arg366Pro]TQFGEKIHNF